The following is an entry in ClinVar:

NC_000001.10:g.(?_92457801)_(92949044_?)dup

Genes: C1orf146 (chromosome 1 open reading frame 146; plus strand), GLMN (glomulin, FKBP associated protein; minus strand), RPAP2 (RNA polymerase II associated protein 2; plus strand), GFI1 (growth factor independent 1 transcriptional repressor; minus strand), BRDT (bromodomain testis associated; plus strand) and 2 more. Cytogenetic location: 1p22.1.
Variant type: Duplication.
Identifiers: ClinVar variation 3247790 (VCV003247790.1).

ClinVar aggregate classification (germline): Uncertain significance (1 of 4 stars; one submission).

Conditions:
Neutropenia, severe congenital, 2, autosomal dominant. Identifiers: Orphanet 486, MedGen C2751288, MONDO:0013139, OMIM 613107.

Submission:

Labcorp Genetics (formerly Invitae), Labcorp
Classification: Uncertain significance for Neutropenia, severe congenital, 2, autosomal dominant. Last evaluated: 2023-06-06. Review status: criteria provided, single submitter. Criteria: Invitae Variant Classification Sherloc (09022015). Collection method: clinical testing. Allele origin: unknown.
Comment: In summary, the available evidence is currently insufficient to determine the role of this variant in disease. Therefore, it has been classified as a Variant of Uncertain Significance. This variant has not been reported in the literature in individuals affected with GFI1-related conditions. A copy number gain of the genomic region encompassing the full coding sequence of the GFI1 gene has been identified. The boundaries of this event are unknown as they extend beyond the assayed region for this gene and therefore may encompass additional genes. As the precise location of this event is unknown, it may be in tandem or it may be located elsewhere in the genome.